The following is an entry in ClinVar:

NM_080732.4(EGLN2):c.97A>G (p.Arg33Gly)

Genes: EGLN2 (egl-9 family hypoxia inducible factor 2; plus strand), RAB4B-EGLN2 (RAB4B-EGLN2 readthrough (NMD candidate); plus strand). Cytogenetic location: 19q13.2.
Variant type: single nucleotide variant.
Coding change: c.97A>G on transcript NM_080732.4 (MANE Select); coding-DNA position 97, A replaced by G.
Protein change: p.Arg33Gly; replaces arginine 33 with glycine.
Molecular consequence: missense variant. On other transcripts: non-coding transcript variant (1).
Genome position (GRCh38, 1-based): chr19:40,800,669, A>G. VCF-style: chr19-40800669-A-G. GRCh37 (hg19) VCF-style: chr19-41306574-A-G.
Other names: c.97A>G, p.Arg33Gly (NM_053046.4); short protein forms R33G.
Identifiers: ClinVar variation 3507296 (VCV003507296.1).

ClinVar aggregate classification (germline): Uncertain significance (1 of 4 stars; one submission).

Submission:

Ambry Genetics
Classification: Uncertain significance. Last evaluated: 2024-10-14. Review status: criteria provided, single submitter. Criteria: Ambry Variant Classification Scheme 2023. Collection method: clinical testing. Allele origin: germline.
Comment: The p.R33G variant (also known as c.97A>G), located in coding exon 1 of the EGLN2 gene, results from an A to G substitution at nucleotide position 97. The arginine at codon 33 is replaced by glycine, an amino acid with dissimilar properties. This amino acid position is conserved. In addition, this alteration is predicted to be tolerated by in silico analysis. Based on the available evidence, the clinical significance of this variant remains unclear.